The following is an entry in ClinVar:

NM_001868.4(CPA1):c.466C>T (p.Pro156Ser)

Gene: CPA1 (carboxypeptidase A1; plus strand). Cytogenetic location: 7q32.2.
Variant type: single nucleotide variant.
Coding change: c.466C>T on transcript NM_001868.4 (MANE Select); coding-DNA position 466, C replaced by T.
Protein change: p.Pro156Ser; replaces proline 156 with serine.
Molecular consequence: missense variant.
Genome position (GRCh38, 1-based): chr7:130,382,192, C>T. VCF-style: chr7-130382192-C-T. GRCh37 (hg19) VCF-style: chr7-130022033-C-T.
Other names: short protein forms P156S.
Identifiers: ClinVar variation 4559563 (VCV004559563.1).

ClinVar aggregate classification (germline): Uncertain significance (1 of 4 stars; one submission).

Conditions:
Hereditary pancreatitis (PCTT). Also called: Hereditary chronic pancreatitis; PRSS1-Related Hereditary Pancreatitis. Identifiers: Orphanet 676, MedGen C0238339, MONDO:0008185, OMIM 167800.

Submission:

Ambry Genetics
Classification: Uncertain significance for Hereditary pancreatitis. Last evaluated: 2025-10-13. Review status: criteria provided, single submitter. Criteria: Ambry Variant Classification Scheme 2023. Collection method: clinical testing. Allele origin: germline.
Comment: The p.P156S variant (also known as c.466C>T), located in coding exon 4 of the CPA1 gene, results from a C to T substitution at nucleotide position 466. The proline at codon 156 is replaced by serine, an amino acid with similar properties. This amino acid position is conserved. In addition, this alteration is predicted to be tolerated by in silico analysis. Based on the available evidence, the clinical significance of this variant remains unclear.